The following is an entry in ClinVar:

ClinVar aggregate classification (germline): Benign (1 of 4 stars; one submission).

Conditions:
MELAS syndrome (MELAS). Also called: Juvenile myopathy, encephalopathy, lactic acidosis, stroke. Identifiers: Orphanet 550, MedGen C0162671, MONDO:0010789, OMIM 540000.

Submission:

Wong Mito Lab, Molecular and Human Genetics, Baylor College of Medicine
Classification: Benign for MELAS syndrome. Last evaluated: 2019-07-12. Review status: criteria provided, single submitter. Criteria: Modified ACMG Guidelines (Unpublished). Collection method: clinical testing. Allele origin: germline.
Comment: The NC_012920.1:m.644A>G variant in MT-TF gene is interpreted to be a Benign variant based on the modified ACMG guidelines (unpublished). This variant meets the following evidence codes reported in the guidelines: BS1, BS2, BP4

Literature cited by the submitters: PubMed 31965079.

NC_012920.1(MT-TF):m.644A>G

Gene: MT-TF (mitochondrially encoded tRNA phenylalanine; plus strand).
Variant type: single nucleotide variant.
Genome position: chrM-644-A-G.
Identifiers: ClinVar variation 689831 (VCV000689831.1), dbSNP rs1556422475, ClinGen allele CA913175717.
Genomic context (GRCh38, chrMT:644, plus strand): 5'-TAGCTTACCTCCTCAAAGCAATACACTGAAAATGTTTAGACGGGCTCACATCACCCCATA[A>G]ACAAATAGGTTTGGTCCTAGCCTTTCTATTAGCTCTTAGTAAGATTACACATGCAAGCAT-3'